The following is an entry in ClinVar:

NM_032551.5(KISS1R):c.749T>A (p.Leu250Gln)

Gene: KISS1R (KISS1 receptor; plus strand). Cytogenetic location: 19p13.3.
Variant type: single nucleotide variant.
Coding change: c.749T>A on transcript NM_032551.5 (MANE Select); coding-DNA position 749, T replaced by A.
Protein change: p.Leu250Gln; replaces leucine 250 with glutamine.
Molecular consequence: missense variant.
Genome position (GRCh38, 1-based): chr19:920,300, T>A. VCF-style: chr19-920300-T-A. GRCh37 (hg19) VCF-style: chr19-920300-T-A.
Other names: short protein forms L250Q.
Identifiers: ClinVar variation 1028963 (VCV001028963.1), dbSNP rs752689988, ClinGen allele CA402916466.

ClinVar aggregate classification (germline): Uncertain significance (1 of 4 stars; one submission).

Conditions:
Hypogonadotropic hypogonadism 8 with or without anosmia (HH8). Also called: HYPOGONADOTROPIC HYPOGONADISM 8 WITH ANOSMIA, SUSCEPTIBILITY TO; KISS1R-Related GnRH Deficiency. Identifiers: Orphanet 478, MedGen C3553841, MONDO:0013910, OMIM 614837.

Submission:

Baylor Genetics
Classification: Uncertain significance for Hypogonadotropic hypogonadism 8 with or without anosmia. Last evaluated: 2020-05-05. Review status: criteria provided, single submitter. Criteria: ACMG Guidelines, 2015. Collection method: clinical testing. Allele origin: unknown. Affected: yes.
Comment: This variant was determined to be of uncertain significance according to ACMG Guidelines, 2015 [PMID:25741868].